The following is an entry in ClinVar:

NM_001371333.1(DIABLO):c.381GGA[1] (p.Glu129del)

Gene: DIABLO (diablo IAP-binding mitochondrial protein; minus strand). Cytogenetic location: 12q24.31.
Variant type: Microsatellite.
Coding change: c.381GGA[1] on transcript NM_001371333.1 (MANE Select); one copy of the 3-base unit GGA starting at c.381; the reference has two copies in a row; one copy, 3 bases deleted.
Protein change: p.Glu129del; deletes glutamic acid 129.
Genome position (GRCh38, 1-based): chr12:122,216,799-122,216,801, TCC deleted on the plus strand (GGA on the coding strand, the reverse complement: DIABLO is on the minus strand); deleting any 3 consecutive bases within chr12:122,216,799-122,216,806 gives the same sequence; the position shown is the placement nearest the transcript's 3' end. VCF-style (leftmost placement, unchanged base first): chr12-122216798-TTCC-T. GRCh37 (hg19) VCF-style: chr12-122701345-TTCC-T.
Other names: c.90GGA[1], p.Glu32del (NM_001278302.1); c.162GGA[1], p.Glu56del (NM_001278303.1); c.222GGA[1], p.Glu76del (NM_001278304.2, NM_138930.3); c.249GGA[1], p.Glu85del (NM_001278342.1); c.381GGA[1], p.Glu129del (NM_019887.6); c.384_386del (NM_019887.6); short protein forms E129del, E32del, E56del, E76del, E85del.
Identifiers: ClinVar variation 3601069 (VCV003601069.1).

ClinVar aggregate classification (germline): Likely pathogenic (1 of 4 stars; one submission).

Conditions:
Autosomal dominant nonsyndromic hearing loss 64. Identifiers: Orphanet 90635, MedGen C3279948, MONDO:0013593, OMIM 614152.

Submission:

Institute of Rare Diseases, West China Hospital, Sichuan University
Classification: Likely pathogenic for Autosomal dominant nonsyndromic hearing loss 64. Last evaluated: 2025-01-09. Review status: criteria provided, single submitter. Criteria: ClinGen HL ACMG Specifications v1. Collection method: research. Allele origin: germline. Affected: yes.
Comment: PS2;PM2_Supporting;PM4